The following is an entry in ClinVar:

NM_000939.4(POMC):c.274AGC[7] (p.Ser95_Gly96insSerSerSer)

Gene: POMC (proopiomelanocortin; minus strand). Cytogenetic location: 2p23.3.
Variant type: Microsatellite.
Coding change: c.274AGC[7] on transcript NM_000939.4 (MANE Select); seven copies in a row of the 3-base unit AGC starting at c.274; the reference has four copies in a row; three copies, 9 bases duplicated.
Protein change: p.Ser95_Gly96insSerSerSer.
Molecular consequence: inframe insertion.
Genome position (GRCh38, 1-based): chr2:25,161,600-25,161,608, GCTGCTGCT duplicated on the plus strand (AGCAGCAGC on the coding strand, the reverse complement: POMC is on the minus strand); duplicating any 9 consecutive bases within chr2:25,161,600-25,161,612 gives the same sequence; the position shown is the placement nearest the transcript's 3' end. VCF-style (leftmost placement, unchanged base first): chr2-25161599-C-CGCTGCTGCT. GRCh37 (hg19) VCF-style: chr2-25384468-C-CGCTGCTGCT.
Other names: c.274AGC[7], p.Ser95_Gly96insSerSerSer (NM_001035256.3, NM_001319204.2, NM_001319205.2).
Identifiers: ClinVar variation 2052930 (VCV002052930.4), dbSNP rs756169657, ClinGen allele CA1555333.
Genomic context (GRCh38, chr2:25,161,599, plus strand): 5'-GCGGGCCGCAGTCTTCGCCCGCTGAGACGTCCTCGCGCTTCTGCCCTGCGCCGCTGCTGC[C>CGCTGCTGCT]GCTGCTGCTGCTGTTGCGGCGGCCGAATCGGTCCCAGCGGAAGTGGCCCATGACGTACTT-3'

ClinVar aggregate classification (germline): Uncertain significance (1 of 4 stars; one submission).

Submission:

Labcorp Genetics (formerly Invitae), Labcorp
Classification: Uncertain significance. Last evaluated: 2022-08-22. Review status: criteria provided, single submitter. Criteria: Invitae Variant Classification Sherloc (09022015). Collection method: clinical testing. Allele origin: germline.
Comment: In summary, the available evidence is currently insufficient to determine the role of this variant in disease. Therefore, it has been classified as a Variant of Uncertain Significance. This variant, c.277_285dup, results in the insertion of 3 amino acid(s) of the POMC protein (p.Ser93_Ser95dup), but otherwise preserves the integrity of the reading frame. This variant is present in population databases (rs756169657, gnomAD 0.008%). This variant has not been reported in the literature in individuals affected with POMC-related conditions. Experimental studies and prediction algorithms are not available or were not evaluated, and the functional significance of this variant is currently unknown.